The following is an entry in ClinVar:

NM_145064.3(STAC3):c.1023G>C (p.Ala341=)

Gene: STAC3 (SH3 and cysteine rich domain 3; minus strand). Cytogenetic location: 12q13.3.
Variant type: single nucleotide variant.
Coding change: c.1023G>C on transcript NM_145064.3 (MANE Select); coding-DNA position 1023, G replaced by C.
Protein change: p.Ala341=; no amino-acid change (alanine 341 retained).
Molecular consequence: synonymous variant. On other transcripts: non-coding transcript variant (1).
Genome position (GRCh38, 1-based): chr12:57,243,884, C>G on the plus strand (G>C on the coding strand, the complement: STAC3 is on the minus strand). VCF-style: chr12-57243884-C-G. GRCh37 (hg19) VCF-style: chr12-57637667-C-G.
Other names: c.906G>C, p.Ala302= (NM_001286256.2); c.465G>C, p.Ala155= (NM_001286257.2).
Identifiers: ClinVar variation 262570 (VCV000262570.53), dbSNP rs61747067, ClinGen allele CA6646916.

ClinVar aggregate classification (germline): Benign/Likely benign. Review status: criteria provided, multiple submitters, no conflicts (2 of 4 stars). 5 submissions from 5 submitters: Benign (2); Likely benign (2). 1 of the submissions does not count toward it. Last evaluated 2026-09-01.

Conditions:
STAC3-related disorder. Also called: STAC3-related condition.
Bailey-Bloch congenital myopathy (CMYO13). Also called: STAC3 disorder; Native American myopathy; Congenital myopathy 13. Identifiers: Orphanet 168572, MedGen C1850625, MONDO:0009722, OMIM 255995.

Allele frequency attached by ClinVar (database versions not stated): TOPMed 0.00309; 1000 Genomes Project 30x 0.00312; ESP Exome Variant Server 0.00315; 1000 Genomes Project 0.00339; gnomAD exomes 0.00449; ExAC 0.00450; gnomAD 0.00529.
gnomAD v4.1: 6,310 of 1,613,814 alleles (0.39%); highest among the groups gnomAD compares: Non-Finnish European, 0.36%; 33 homozygotes.

Submissions (5):

CeGaT Center for Human Genetics Tuebingen
Classification: Likely benign. Last evaluated: 2026-09-01. Review status: criteria provided, single submitter. Criteria: CeGaT Center For Human Genetics Tuebingen Variant Classification Criteria Version 2. Collection method: clinical testing. Allele origin: germline. Affected: yes. Observed: 12 variant alleles.
Comment: STAC3: BP4, BP7, BS2

Labcorp Genetics (formerly Invitae), Labcorp
Classification: Benign for Bailey-Bloch congenital myopathy. Last evaluated: 2026-02-03. Review status: criteria provided, single submitter. Criteria: Invitae Variant Classification Sherloc (09022015). Collection method: clinical testing. Allele origin: germline.

GeneDx
Classification: Likely benign. Last evaluated: 2021-03-28. Review status: criteria provided, single submitter. Criteria: GeneDx Variant Classification Process June 2021. Collection method: clinical testing. Allele origin: germline. Affected: yes.

Genetic Services Laboratory, University of Chicago
Classification: Benign. Last evaluated: 2017-11-03. Review status: criteria provided, single submitter. Criteria: ACMG Guidelines, 2015. Collection method: clinical testing. Allele origin: germline. Affected: no.

PreventionGenetics, part of Exact Sciences
Classification: Likely benign for STAC3-related condition. Last evaluated: 2019-06-05. Review status: no assertion criteria provided. Collection method: clinical testing. Allele origin: germline. Not counted in ClinVar's aggregate classification.
Comment: This variant is classified as likely benign based on ACMG/AMP sequence variant interpretation guidelines (Richards et al. 2015 PMID: 25741868, with internal and published modifications).